The following is an entry in ClinVar:

ClinVar aggregate classification (germline): Pathogenic (1 of 4 stars; one submission).

Submission:

ISCA site 4
Classification: Pathogenic. Last evaluated: 2011-08-12. Review status: criteria provided, single submitter. Criteria: Kaminsky et al. (Genet Med. 2011). Collection method: clinical testing. Allele origin: unknown. Affected: yes. Observed: 1 variant allele.
Comment: Copy number variation identified through the course of routine clinical cytogenomic testing in postnatal populations. Clinical assertions have been curated as described in Kaminsky et al. 2011.

GRCh38/hg38 9p24.3-23(chr9:204193-13974100)x1

Genes: AK3 (adenylate kinase 3; minus strand), BRD10 (bromodomain containing 10; minus strand), CD274 (CD274 molecule; plus strand), CDC37L1 (cell division cycle 37 like 1, HSP90 cochaperone; plus strand), CDC37L1-DT (CDC37L1 divergent transcript; minus strand) and 255 more. Cytogenetic location: 9p24.3-23.
Variant type: copy number loss.
Change: copy number 1 (one copy instead of two) of chr9:204,193-13,974,100 (13.77 Mb, GRCh38 coordinates, 1-based), cytogenetic band 9p24.3-23.
Identifiers: ClinVar variation 57180 (VCV000057180.1).